The following is an entry in ClinVar:

NM_000093.5(COL5A1):c.4651A>C (p.Thr1551Pro)

Genes: COL5A1 (collagen type V alpha 1 chain; plus strand), LOC101448202 (uncharacterized LOC101448202; minus strand). Cytogenetic location: 9q34.3.
Variant type: single nucleotide variant.
Coding change: c.4651A>C on transcript NM_000093.5 (MANE Select); coding-DNA position 4651, A replaced by C.
Protein change: p.Thr1551Pro; replaces threonine 1551 with proline.
Molecular consequence: missense variant.
Genome position (GRCh38, 1-based): chr9:134,823,422, A>C. VCF-style: chr9-134823422-A-C. GRCh37 (hg19) VCF-style: chr9-137715268-A-C.
Other names: c.4651A>C, p.Thr1551Pro (NM_001278074.1); short protein forms T1551P.
Identifiers: ClinVar variation 423988 (VCV000423988.11), dbSNP rs376821494, ClinGen allele CA5320415.

ClinVar aggregate classification (germline): Conflicting classifications of pathogenicity. Review status: criteria provided, conflicting classifications (1 of 4 stars). 2 submissions from 2 submitters: Uncertain significance (1); Likely benign (1). Last evaluated 2025-11-17.

Conditions:
Ehlers-Danlos syndrome, classic type, 1 (EDSCL1). Also called: EHLERS-DANLOS SYNDROME, GRAVIS TYPE; EHLERS-DANLOS SYNDROME, SEVERE CLASSIC TYPE; EDS I; Ehlers-Danlos Syndrome, Classic Type, COL5A1-Related; Ehlers-Danlos syndrome, type 1. Identifiers: MedGen C0268335, MONDO:0019567, OMIM 130000.

Allele frequency attached by ClinVar (database versions not stated): gnomAD 0.00001; gnomAD exomes 0.00001; TOPMed 0.00001; ESP Exome Variant Server 0.00008; ExAC 0.00001.
gnomAD v4.1: 5 of 1,614,120 alleles (0.00031%); highest among the groups gnomAD compares: Non-Finnish European, 0.00042%; no homozygotes.

Submissions (2):

Labcorp Genetics (formerly Invitae), Labcorp
Classification: Likely benign for Ehlers-Danlos syndrome, classic type, 1. Last evaluated: 2025-11-17. Review status: criteria provided, single submitter. Criteria: Invitae Variant Classification Sherloc (09022015). Collection method: clinical testing. Allele origin: germline.

GeneDx
Classification: Uncertain significance. Last evaluated: 2024-03-28. Review status: criteria provided, single submitter. Criteria: GeneDx Variant Classification Process June 2021. Collection method: clinical testing. Allele origin: germline. Affected: yes.
Comment: Has not been previously published as pathogenic or benign to our knowledge; Not observed at significant frequency in large population cohorts (gnomAD); Occurs in the triple helical domain at the Y position in the canonical Gly-X-Y repeat; although this variant may have an effect on normal protein folding and function, missense substitution at the Y position is not a common mechanism of disease (PMID: 22696272; HGMD); In silico analysis supports that this missense variant does not alter protein structure/function; This variant is associated with the following publications: (PMID: 22696272)